The following is an entry in ClinVar:

NM_000143.4(FH):c.82T>G (p.Leu28Val)

Gene: FH (fumarate hydratase; minus strand). Cytogenetic location: 1q43.
Variant type: single nucleotide variant.
Coding change: c.82T>G on transcript NM_000143.4 (MANE Select); coding-DNA position 82, T replaced by G.
Protein change: p.Leu28Val; replaces leucine 28 with valine.
Molecular consequence: missense variant.
Genome position (GRCh38, 1-based): chr1:241,519,641, A>C on the plus strand (T>G on the coding strand, the complement: FH is on the minus strand). VCF-style: chr1-241519641-A-C. GRCh37 (hg19) VCF-style: chr1-241682941-A-C.
Other names: short protein forms L28V.
Identifiers: ClinVar variation 5021689 (VCV005021689.1).

ClinVar aggregate classification (germline): Uncertain significance (1 of 4 stars; one submission).

Conditions:
Hereditary cancer-predisposing syndrome. Also called: Neoplastic Syndromes, Hereditary; Tumor predisposition; Hereditary neoplastic syndrome; Hereditary Cancer Syndrome. Identifiers: Orphanet 140162, MedGen C0027672, MeSH D009386, MONDO:0015356.

Submission:

Ambry Genetics
Classification: Uncertain significance for Hereditary cancer-predisposing syndrome. Last evaluated: 2026-08-21. Review status: criteria provided, single submitter. Criteria: Ambry Variant Classification Scheme 2023. Collection method: clinical testing. Allele origin: germline.
Comment: The p.L28V variant (also known as c.82T>G), located in coding exon 1 of the FH gene, results from a T to G substitution at nucleotide position 82. The leucine at codon 28 is replaced by valine, an amino acid with highly similar properties. This amino acid position is conserved. In addition, this alteration is predicted to be tolerated by in silico analysis. Based on the available evidence, the clinical significance of this variant remains unclear.